The following is an entry in ClinVar:

NM_015161.3(ARL6IP1):c.241_244del (p.Asp81fs)

Gene: ARL6IP1 (ARL6 interacting reticulophagy regulator 1; minus strand). Cytogenetic location: 16p12.3.
Variant type: Deletion.
Coding change: c.241_244del on transcript NM_015161.3 (MANE Select); coding-DNA positions 241 to 244, 4 bases deleted (GACT; older notation c.241_244delGACT).
Protein change: p.Asp81fs; shifts the reading frame from aspartic acid 81.
Molecular consequence: frameshift variant.
Genome position (GRCh38, 1-based): chr16:18,797,971-18,797,974, AGTC deleted on the plus strand (GACT on the coding strand, the reverse complement: ARL6IP1 is on the minus strand); deleting any 4 consecutive bases within chr16:18,797,971-18,797,976 gives the same sequence; the c. name uses the placement nearest the transcript's 3' end. VCF-style (leftmost placement, unchanged base first): chr16-18797970-TAGTC-T. GRCh37 (hg19) VCF-style: chr16-18809292-TAGTC-T.
Other names: c.154_157del, p.Asp52fs (NM_001313858.1); short protein forms D52fs, D81fs.
Identifiers: ClinVar variation 4988974 (VCV004988974.1).

ClinVar aggregate classification (germline): Likely pathogenic (1 of 4 stars; one submission).

Conditions:
ARL6IP1-related disorder. Also called: ARL6IP1-related condition.

Submission:

PreventionGenetics, part of Exact Sciences
Classification: Likely pathogenic for ARL6IP1-related condition. Last evaluated: 2026-04-03. Review status: criteria provided, single submitter. Criteria: ACMG Guidelines, 2015. Collection method: clinical testing. Allele origin: germline.
Comment: The ARL6IP1 c.241_244delGACT variant is predicted to result in a frameshift and premature protein termination (p.Asp81Thrfs*6). To our knowledge, this variant has not been reported in the literature or in a large population database (gnomAD), indicating this variant is rare. Frameshift variants in ARL6IP1 are expected to be pathogenic. This variant is interpreted as likely pathogenic.